The following is an entry in ClinVar:

NM_000368.5(TSC1):c.2531A>T (p.Gln844Leu)

Gene: TSC1 (TSC complex subunit 1; minus strand). Cytogenetic location: 9q34.13.
Variant type: single nucleotide variant.
Coding change: c.2531A>T on transcript NM_000368.5 (MANE Select); coding-DNA position 2531, A replaced by T.
Protein change: p.Gln844Leu; replaces glutamine 844 with leucine.
Molecular consequence: missense variant. On other transcripts: non-coding transcript variant (5).
Genome position (GRCh38, 1-based): chr9:132,900,809, T>A on the plus strand (A>T on the coding strand, the complement: TSC1 is on the minus strand). VCF-style: chr9-132900809-T-A. GRCh37 (hg19) VCF-style: chr9-135776196-T-A.
Other names: c.2165A>T, p.Gln722Leu (NM_001406620.1, NM_001406621.1, NM_001406622.1 and 1 more transcripts); c.2126A>T, p.Gln709Leu (NM_001406624.1); c.2123A>T, p.Gln708Leu (NM_001406625.1); c.1580A>T, p.Gln527Leu (NM_001406626.1); c.1577A>T, p.Gln526Leu (NM_001406627.1, NM_001406628.1); c.1478A>T, p.Gln493Leu (NM_001406629.1, NM_001406630.1); c.2375A>T, p.Gln792Leu (NM_001406611.1, NM_001406612.1); c.2333A>T, p.Gln778Leu (NM_001406613.1); and 8 more; short protein forms Q527L, Q708L, Q838L, Q723L, Q829L, Q493L, Q709L, Q722L.
Identifiers: ClinVar variation 5031247 (VCV005031247.1).

ClinVar aggregate classification (germline): Uncertain significance (1 of 4 stars; one submission).

Conditions:
Hereditary cancer-predisposing syndrome. Also called: Neoplastic Syndromes, Hereditary; Tumor predisposition; Hereditary neoplastic syndrome; Hereditary Cancer Syndrome. Identifiers: Orphanet 140162, MedGen C0027672, MeSH D009386, MONDO:0015356.

Submission:

Ambry Genetics
Classification: Uncertain significance for Hereditary cancer-predisposing syndrome. Last evaluated: 2026-08-07. Review status: criteria provided, single submitter. Criteria: Ambry Variant Classification Scheme 2023. Collection method: clinical testing. Allele origin: germline.
Comment: The p.Q844L variant (also known as c.2531A>T), located in coding exon 18 of the TSC1 gene, results from an A to T substitution at nucleotide position 2531. The glutamine at codon 844 is replaced by leucine, an amino acid with dissimilar properties. This amino acid position is conserved. In addition, this alteration is predicted to be deleterious by in silico analysis. Based on the available evidence, the clinical significance of this variant remains unclear.